The following is an entry in ClinVar:

NM_001048174.2(MUTYH):c.569A>G (p.Tyr190Cys)

Gene: MUTYH (mutY DNA glycosylase; minus strand). Cytogenetic location: 1p34.1.
Variant type: single nucleotide variant.
Coding change: c.569A>G on transcript NM_001048174.2 (MANE Select); coding-DNA position 569, A replaced by G.
Protein change: p.Tyr190Cys; replaces tyrosine 190 with cysteine.
Molecular consequence: missense variant. On other transcripts: non-coding transcript variant (2).
Genome position (GRCh38, 1-based): chr1:45,332,611, T>C on the plus strand (A>G on the coding strand, the complement: MUTYH is on the minus strand). VCF-style: chr1-45332611-T-C. GRCh37 (hg19) VCF-style: chr1-45798283-T-C.
Other names: c.569A>G, p.Tyr190Cys (NM_001048171.2, NM_001048173.2, NM_001293195.2); c.572A>G, p.Tyr191Cys (NM_001048172.2); c.653A>G, p.Tyr218Cys (NM_001128425.2); c.614A>G, p.Tyr205Cys (NM_001293190.2); c.602A>G, p.Tyr201Cys (NM_001293191.2); c.293A>G, p.Tyr98Cys (NM_001293192.2, NM_001293196.2); c.224A>G, p.Tyr75Cys (NM_001350650.2, NM_001350651.2); c.644A>G, p.Tyr215Cys (NM_012222.3); short protein forms Y215C, Y98C, Y191C, Y201C, Y205C, Y218C, Y75C, Y190C.
Identifiers: ClinVar variation 664027 (VCV000664027.22), dbSNP rs1570415740, ClinGen allele CA340135328.

ClinVar aggregate classification (germline): Uncertain significance. Review status: criteria provided, multiple submitters, no conflicts (2 of 4 stars). 7 submissions from 7 submitters: Uncertain significance (7). Last evaluated 2025-11-19.

Conditions:
Familial adenomatous polyposis 2. Also called: COLORECTAL ADENOMATOUS POLYPOSIS, AUTOSOMAL RECESSIVE; ADENOMAS, MULTIPLE COLORECTAL, AUTOSOMAL RECESSIVE; MYH-associated polyposis; MUTYH Polyposis; Adenomas, multiple colorectal; MUTYH-associated polyposis. Identifiers: Orphanet 220460, Orphanet 247798, MedGen C3272841, MONDO:0012041, OMIM 608456.
Hereditary cancer-predisposing syndrome. Also called: Tumor predisposition; Neoplastic Syndromes, Hereditary; Hereditary Cancer Syndrome; Hereditary neoplastic syndrome. Identifiers: Orphanet 140162, MedGen C0027672, MeSH D009386, MONDO:0015356.

gnomAD v4.1: 1 of 1,614,130 alleles (0.000062%); highest among the groups gnomAD compares: Non-Finnish European, 0.000085%; no homozygotes.

Submissions (7):

Labcorp Genetics (formerly Invitae), Labcorp
Classification: Uncertain significance for Familial adenomatous polyposis 2. Last evaluated: 2025-11-19. Review status: criteria provided, single submitter. Criteria: Invitae Variant Classification Sherloc (09022015). Collection method: clinical testing. Allele origin: germline.
Comment: This sequence change replaces tyrosine, which is neutral and polar, with cysteine, which is neutral and slightly polar, at codon 218 of the MUTYH protein (p.Tyr218Cys). This variant is not present in population databases (gnomAD no frequency). This variant has not been reported in the literature in individuals affected with MUTYH-related conditions. ClinVar contains an entry for this variant (Variation ID: 664027). An algorithm developed to predict the effect of missense changes on protein structure and function (PolyPhen-2) suggests that this variant is likely to be disruptive. In summary, the available evidence is currently insufficient to determine the role of this variant in disease. Therefore, it has been classified as a Variant of Uncertain Significance.

St. Jude Molecular Pathology, St. Jude Children's Research Hospital
Classification: Uncertain significance for Familial adenomatous polyposis 2. Last evaluated: 2024-06-06. Review status: criteria provided, single submitter. Criteria: St. Jude Assertion Criteria 2020. Collection method: clinical testing. Allele origin: germline.
Comment: The MUTYH c.653A>G (p.Tyr218Cys) missense change is absent in gnomAD v2.1.1. The in silico tool REVEL predicts a deleterious effect on protein function, but this prediction has not been confirmed by functional studies. This variant has not been reported in individuals with MUTYH-associated polyposis. In summary, the evidence currently available is insufficient to determine the clinical significance of this variant. It has therefore been classified as of uncertain significance.

All of Us Research Program, National Institutes of Health
Classification: Uncertain significance for Familial adenomatous polyposis 2. Last evaluated: 2024-04-25. Review status: criteria provided, single submitter. Criteria: ACMG Guidelines, 2015. Collection method: clinical testing. Allele origin: germline. Inheritance: Autosomal recessive inheritance. Observed: 4 variant alleles, 4 heterozygotes.
Comment: This missense variant replaces tyrosine with cysteine at codon 218 of the MUTYH protein. Computational prediction suggests that this variant may have deleterious impact on protein structure and function (internally defined REVEL score threshold >= 0.7, PMID: 27666373). To our knowledge, functional studies have not been reported for this variant. This variant has not been reported in individuals affected with MUTYH-related disorders in the literature. This variant has not been identified in the general population by the Genome Aggregation Database (gnomAD). The available evidence is insufficient to determine the role of this variant in disease conclusively. Therefore, this variant is classified as a Variant of Uncertain Significance.

This study involves interpretation of variants in research participants for the purpose of population health screening. Participant phenotype was not available at the time of variant classification. Additional details can be found in publication PMID: 35346344, PMCID: PMC8962531

Ambry Genetics
Classification: Uncertain significance for Hereditary cancer-predisposing syndrome. Last evaluated: 2024-04-12. Review status: criteria provided, single submitter. Criteria: Ambry Variant Classification Scheme 2023. Collection method: clinical testing. Allele origin: germline.
Comment: The p.Y218C variant (also known as c.653A>G), located in coding exon 8 of the MUTYH gene, results from an A to G substitution at nucleotide position 653. The tyrosine at codon 218 is replaced by cysteine, an amino acid with highly dissimilar properties. In one study, this variant was detected in 0/165 colorectal cancer and/or polyposis patients and was identified in control individual(s) from a healthy population database (Rosenthal EA et al. Hum Genet, 2018 Oct;137:795-806). This amino acid position is highly conserved in available vertebrate species. In addition, this alteration is predicted to be deleterious by in silico analysis. Since supporting evidence is limited at this time, the clinical significance of this alteration remains unclear.

GeneDx
Classification: Uncertain significance. Last evaluated: 2023-08-17. Review status: criteria provided, single submitter. Criteria: GeneDx Variant Classification Process June 2021. Collection method: clinical testing. Allele origin: germline. Affected: yes.
Comment: Not observed at significant frequency in large population cohorts (gnomAD); In silico analysis supports that this missense variant has a deleterious effect on protein structure/function; Has not been observed in patients with colorectal cancer or polyps to our knowledge, but has been reported in a control group (Rosenthal et al., 2018); This variant is associated with the following publications: (PMID: 30267214)

Color Diagnostics, LLC DBA Color Health
Classification: Uncertain significance for Hereditary cancer-predisposing syndrome. Last evaluated: 2023-05-18. Review status: criteria provided, single submitter. Criteria: ACMG Guidelines, 2015. Collection method: clinical testing. Allele origin: germline.
Comment: This missense variant replaces tyrosine with cysteine at codon 218 of the MUTYH protein. Computational prediction suggests that this variant may have deleterious impact on protein structure and function (internally defined REVEL score threshold >= 0.7, PMID: 27666373). To our knowledge, functional studies have not been reported for this variant. This variant has not been reported in individuals affected with MUTYH-related disorders in the literature. This variant has not been identified in the general population by the Genome Aggregation Database (gnomAD). The available evidence is insufficient to determine the role of this variant in disease conclusively. Therefore, this variant is classified as a Variant of Uncertain Significance.

Baylor Genetics
Classification: Uncertain significance for Familial adenomatous polyposis 2. Last evaluated: 2023-03-10. Review status: criteria provided, single submitter. Criteria: ACMG Guidelines, 2015. Collection method: clinical testing. Allele origin: unknown.

Literature cited by the submitters: PubMed 30267214 (cited by Ambry Genetics).